The following is an entry in ClinVar:

NM_000179.3(MSH6):c.961T>C (p.Ser321Pro)

Gene: MSH6 (mutS homolog 6; plus strand). Cytogenetic location: 2p16.3.
Variant type: single nucleotide variant.
Coding change: c.961T>C on transcript NM_000179.3 (MANE Select); coding-DNA position 961, T replaced by C.
Protein change: p.Ser321Pro; replaces serine 321 with proline.
Molecular consequence: missense variant.
Genome position (GRCh38, 1-based): chr2:47,798,944, T>C. VCF-style: chr2-47798944-T-C. GRCh37 (hg19) VCF-style: chr2-48026083-T-C.
Other names: c.571T>C, p.Ser191Pro (NM_001281492.2); c.55T>C, p.Ser19Pro (NM_001281493.2, NM_001281494.2); short protein forms S321P, S191P, S19P.
Identifiers: ClinVar variation 1352388 (VCV001352388.6), dbSNP rs2104309335, ClinGen allele CA346740903.

ClinVar aggregate classification (germline): Uncertain significance (1 of 4 stars; one submission).

Conditions:
Hereditary nonpolyposis colorectal neoplasms. Identifiers: MedGen C0009405, MeSH D003123.

Submission:

Labcorp Genetics (formerly Invitae), Labcorp
Classification: Uncertain significance for Hereditary nonpolyposis colorectal neoplasms. Last evaluated: 2021-11-19. Review status: criteria provided, single submitter. Criteria: Invitae Variant Classification Sherloc (09022015). Collection method: clinical testing. Allele origin: germline.
Comment: In summary, the available evidence is currently insufficient to determine the role of this variant in disease. Therefore, it has been classified as a Variant of Uncertain Significance. Advanced modeling of protein sequence and biophysical properties (such as structural, functional, and spatial information, amino acid conservation, physicochemical variation, residue mobility, and thermodynamic stability) performed at Invitae indicates that this missense variant is not expected to disrupt MSH6 protein function. This variant has not been reported in the literature in individuals affected with MSH6-related conditions. This variant is not present in population databases (gnomAD no frequency). This sequence change replaces serine, which is neutral and polar, with proline, which is neutral and non-polar, at codon 321 of the MSH6 protein (p.Ser321Pro).